The following is an entry in ClinVar:

NM_004716.4(PCSK7):c.1581T>C (p.His527=)

Gene: PCSK7 (proprotein convertase subtilisin/kexin type 7; minus strand). Cytogenetic location: 11q23.3.
Variant type: single nucleotide variant.
Coding change: c.1581T>C on transcript NM_004716.4 (MANE Select); coding-DNA position 1581, T replaced by C.
Protein change: p.His527=; no amino-acid change (histidine 527 retained).
Molecular consequence: synonymous variant.
Genome position (GRCh38, 1-based): chr11:117,209,007, A>G on the plus strand (T>C on the coding strand, the complement: PCSK7 is on the minus strand). VCF-style: chr11-117209007-A-G. GRCh37 (hg19) VCF-style: chr11-117079723-A-G.
Identifiers: ClinVar variation 2642407 (VCV002642407.24), dbSNP rs755401051, ClinGen allele CA6292810.
Genomic context (GRCh38, chr11:117,209,007, plus strand): 5'-GAACAGCTTCAGCTCCAAGCTGCCGCGCCGTGGGTGAGTGATGGAGACTGTCACTGCCAC[A>G]TGCTCCAGGGTCTTCAGCCCTGACATCTCCAGGTCCATCCTGCTGACTGTAGAAAGTCAG-3'
Protein context (NP_004707.2, residues 517-537): LEMSGLKTLE[His527=]VAVTVSITHP

ClinVar aggregate classification (germline): Likely benign (1 of 4 stars; one submission).

Allele frequency attached by ClinVar (database versions not stated): gnomAD 0.00001; ExAC 0.00004.

Submission:

CeGaT Center for Human Genetics Tuebingen
Classification: Likely benign. Last evaluated: 2023-02-01. Review status: criteria provided, single submitter. Criteria: CeGaT Center For Human Genetics Tuebingen Variant Classification Criteria Version 2. Collection method: clinical testing. Allele origin: germline. Affected: yes. Observed: 1 variant allele.
Comment: PCSK7: BP4, BP7